The following is an entry in ClinVar:

ClinVar aggregate classification (germline): Uncertain significance (1 of 4 stars; one submission).

gnomAD v4.1: 1 of 1,609,916 alleles (0.000062%); no homozygotes.

Submission:

Labcorp Genetics (formerly Invitae), Labcorp
Classification: Uncertain significance. Last evaluated: 2022-02-09. Review status: criteria provided, single submitter. Criteria: Invitae Variant Classification Sherloc (09022015). Collection method: clinical testing. Allele origin: germline.
Comment: This sequence change replaces serine, which is neutral and polar, with cysteine, which is neutral and slightly polar, at codon 214 of the CREB3L1 protein (p.Ser214Cys). This variant is not present in population databases (gnomAD no frequency). This variant has not been reported in the literature in individuals affected with CREB3L1-related conditions. Algorithms developed to predict the effect of missense changes on protein structure and function are either unavailable or do not agree on the potential impact of this missense change (SIFT: "Deleterious"; PolyPhen-2: "Probably Damaging"; Align-GVGD: "Class C0"). In summary, the available evidence is currently insufficient to determine the role of this variant in disease. Therefore, it has been classified as a Variant of Uncertain Significance.

NM_052854.4(CREB3L1):c.640A>T (p.Ser214Cys)

Gene: CREB3L1 (cAMP responsive element binding protein 3 like 1; plus strand). Cytogenetic location: 11p11.2.
Variant type: single nucleotide variant.
Coding change: c.640A>T on transcript NM_052854.4 (MANE Select); coding-DNA position 640, A replaced by T.
Protein change: p.Ser214Cys; replaces serine 214 with cysteine.
Molecular consequence: missense variant.
Genome position (GRCh38, 1-based): chr11:46,311,076, A>T. VCF-style: chr11-46311076-A-T. GRCh37 (hg19) VCF-style: chr11-46332627-A-T.
Other names: short protein forms S214C.
Identifiers: ClinVar variation 2091227 (VCV002091227.4), dbSNP rs2496165414, ClinGen allele CA380219497.